The following is an entry in ClinVar:

ClinVar aggregate classification (germline): Uncertain significance (1 of 4 stars; one submission).

Conditions:
Intellectual disability-facial dysmorphism syndrome due to SETD5 haploinsufficiency (MRD23). Also called: Intellectual developmental disorder, autosomal dominant 23. Identifiers: Orphanet 404440, MedGen C3810406, MONDO:0014336, OMIM 615761.

Submission:

Neuberg Centre For Genomic Medicine, NCGM
Classification: Uncertain significance for Intellectual disability-facial dysmorphism syndrome due to SETD5 haploinsufficiency. Last evaluated: 2023-07-22. Review status: criteria provided, single submitter. Criteria: ACMG Guidelines, 2015. Collection method: clinical testing. Allele origin: germline. Inheritance: Autosomal dominant inheritance. Affected: yes.
Comment: The observe missense c.695C>Tp.Ala232Val variant in SETD5 gene has not been reported previously as a pathogenic variant nor as a benign variant, to our knowledge. This variant is present with an allele frequency of 0.002% in gnomAD Exomes database. This variant has not been submitted to the ClinVar database. Multiple lines of computational evidence Polyphen - Benign, SIFT - Tolerated and MutationTaster - Polymorphism predict no damaging effect on protein structure and function for this variant. The reference amino acid in SETD5 is predicted as conserved by GERP++ and PhyloP across 100 vertebrates. The amino acid Ala at position 232 is changed to a Val changing protein sequence and it might alter its composition and physico-chemical properties. For these reasons, this variant has been classified as Uncertain Significance VUS.

NM_001080517.3(SETD5):c.695C>T (p.Ala232Val)

Gene: SETD5 (SET domain containing 5; plus strand). Cytogenetic location: 3p25.3.
Variant type: single nucleotide variant.
Coding change: c.695C>T on transcript NM_001080517.3 (MANE Select); coding-DNA position 695, C replaced by T.
Protein change: p.Ala232Val; replaces alanine 232 with valine.
Molecular consequence: missense variant.
Genome position (GRCh38, 1-based): chr3:9,440,583, C>T. VCF-style: chr3-9440583-C-T. GRCh37 (hg19) VCF-style: chr3-9482267-C-T.
Other names: c.401C>T, p.Ala134Val (NM_001292043.2, NM_001349451.2); short protein forms A134V, A232V.
Identifiers: ClinVar variation 3391243 (VCV003391243.1).